The following is an entry in ClinVar:

NM_144993.1:c.2282G>A

Gene: TET3 (tet methylcytosine dioxygenase 3; plus strand).
Variant type: single nucleotide variant.
Other names: c.2282G>A (NM_144993.1).
Identifiers: ClinVar variation 4183074 (VCV004183074.2).

ClinVar aggregate classification (germline): Uncertain significance (1 of 4 stars; one submission).

Conditions:
Inborn genetic diseases. Identifiers: MedGen C0950123, MeSH D030342.

Submission:

Ambry Genetics
Classification: Uncertain significance for Inborn genetic diseases. Last evaluated: 2026-02-04. Review status: criteria provided, single submitter. Criteria: Ambry Variant Classification Scheme 2023. Collection method: clinical testing. Allele origin: germline.
Comment: The c.2282G>A (p.R761H) alteration is located in exon 4 (coding exon 4) of the TET3 gene. This alteration results from a G to A substitution at nucleotide position 2282, causing the arginine (R) at amino acid position 761 to be replaced by a histidine (H). This variant was not reported in population-based cohorts in the Genome Aggregation Database (gnomAD). This amino acid position is highly conserved in available vertebrate species. This missense alteration is located in a region that has a low rate of benign missense variation (Lek, 2016; Firth, 2009). This alteration is predicted to be deleterious by in silico analysis. Based on insufficient or conflicting evidence, the clinical significance of this alteration remains unclear.